The following is an entry in ClinVar:

ClinVar aggregate classification (germline): Uncertain significance (1 of 4 stars; one submission).

Conditions:
Inborn genetic diseases. Identifiers: MedGen C0950123, MeSH D030342.

Allele frequency attached by ClinVar (database versions not stated): gnomAD exomes below 0.00001.
gnomAD v4.1: 1 of 1,211,873 alleles (0.000083%); highest among the groups gnomAD compares: Non-Finnish European, 0.00011%; no homozygotes.

Submission:

Ambry Genetics
Classification: Uncertain significance for Inborn genetic diseases. Last evaluated: 2026-06-17. Review status: criteria provided, single submitter. Criteria: Ambry Variant Classification Scheme 2023. Collection method: clinical testing. Allele origin: germline.
Comment: The c.2038C>T (p.R680C) alteration is located in coding exon 12 of the SMC1A gene. This alteration results from a C to T substitution at nucleotide position 2038, causing the arginine (R) at amino acid position 680 to be replaced by a cysteine (C). This variant was not reported in population-based cohorts in the Genome Aggregation Database (gnomAD). This amino acid position is well conserved in available vertebrate species. This missense variant is located in a region that has a low rate of benign missense variation (Lek, 2016; Firth, 2009). This alteration is predicted to be tolerated by in silico analysis. Based on insufficient or conflicting evidence, the clinical significance of this alteration remains unclear.

NM_006306.4(SMC1A):c.2038C>T (p.Arg680Cys)

Gene: SMC1A (structural maintenance of chromosomes 1A; minus strand). Cytogenetic location: Xp11.22.
Variant type: single nucleotide variant.
Coding change: c.2038C>T on transcript NM_006306.4 (MANE Select); coding-DNA position 2038, C replaced by T.
Protein change: p.Arg680Cys; replaces arginine 680 with cysteine.
Molecular consequence: missense variant.
Genome position (GRCh38, 1-based): chrX:53,405,265, G>A on the plus strand (C>T on the coding strand, the complement: SMC1A is on the minus strand). VCF-style: chrX-53405265-G-A. GRCh37 (hg19) VCF-style: chrX-53432197-G-A.
Other names: c.1972C>T, p.Arg658Cys (NM_001281463.1); short protein forms R658C, R680C.
Identifiers: ClinVar variation 521322 (VCV000521322.6), dbSNP rs1556889524, ClinGen allele CA413252158.